The following is an entry in ClinVar:

NM_005045.4(RELN):c.5576C>T (p.Thr1859Ile)

Gene: RELN (reelin; minus strand). Cytogenetic location: 7q22.1.
Variant type: single nucleotide variant.
Coding change: c.5576C>T on transcript NM_005045.4 (MANE Select); coding-DNA position 5576, C replaced by T.
Protein change: p.Thr1859Ile; replaces threonine 1859 with isoleucine.
Molecular consequence: missense variant.
Genome position (GRCh38, 1-based): chr7:103,558,003, G>A on the plus strand (C>T on the coding strand, the complement: RELN is on the minus strand). VCF-style: chr7-103558003-G-A. GRCh37 (hg19) VCF-style: chr7-103198450-G-A.
Other names: c.5576C>T, p.Thr1859Ile (NM_173054.3); short protein forms T1859I.
Identifiers: ClinVar variation 2948149 (VCV002948149.3), dbSNP rs1224400878, ClinGen allele CA368742562.

ClinVar aggregate classification (germline): Uncertain significance (1 of 4 stars; one submission).

Conditions:
Familial temporal lobe epilepsy 7. Identifiers: Orphanet 101046, MedGen C4225327, MONDO:0014639, OMIM 616436.
Norman-Roberts syndrome (LIS2). Also called: Lissencephaly 2 (Norman-Roberts type). Identifiers: Orphanet 89844, MedGen C0796089, MONDO:0009760, OMIM 257320.

gnomAD v4.1: 3 of 1,498,360 alleles (0.0002%); highest among the groups gnomAD compares: Non-Finnish European, 0.00028%; no homozygotes.

Submission:

Labcorp Genetics (formerly Invitae), Labcorp
Classification: Uncertain significance for Familial temporal lobe epilepsy 7; Norman-Roberts syndrome. Last evaluated: 2023-11-21. Review status: criteria provided, single submitter. Criteria: Invitae Variant Classification Sherloc (09022015). Collection method: clinical testing. Allele origin: germline.
Comment: This sequence change replaces threonine, which is neutral and polar, with isoleucine, which is neutral and non-polar, at codon 1859 of the RELN protein (p.Thr1859Ile). This variant is not present in population databases (gnomAD no frequency). This variant has not been reported in the literature in individuals affected with RELN-related conditions. Advanced modeling of protein sequence and biophysical properties (such as structural, functional, and spatial information, amino acid conservation, physicochemical variation, residue mobility, and thermodynamic stability) performed at Invitae indicates that this missense variant is not expected to disrupt RELN protein function with a negative predictive value of 80%. In summary, the available evidence is currently insufficient to determine the role of this variant in disease. Therefore, it has been classified as a Variant of Uncertain Significance.